The following is an entry in ClinVar:

NM_001267550.2(TTN):c.64715T>C (p.Ile21572Thr)

Genes: TTN (titin; minus strand), TTN-AS1 (TTN antisense RNA 1; plus strand). Cytogenetic location: 2q31.2.
Variant type: single nucleotide variant.
Coding change: c.64715T>C on transcript NM_001267550.2 (MANE Select); coding-DNA position 64715, T replaced by C.
Protein change: p.Ile21572Thr; replaces isoleucine 21572 with threonine.
Molecular consequence: missense variant. On other transcripts: non-coding transcript variant (1).
Genome position (GRCh38, 1-based): chr2:178,584,926, A>G on the plus strand (T>C on the coding strand, the complement: TTN is on the minus strand). VCF-style: chr2-178584926-A-G. GRCh37 (hg19) VCF-style: chr2-179449653-A-G.
Other names: c.59792T>C, p.Ile19931Thr (NM_001256850.1); c.37520T>C, p.Ile12507Thr (NM_003319.4); c.57011T>C, p.Ile19004Thr (NM_133378.4); c.37895T>C, p.Ile12632Thr (NM_133432.3); c.38096T>C, p.Ile12699Thr (NM_133437.4); short protein forms I12507T, I21572T, I19004T, I12632T, I12699T, I19931T.
Identifiers: ClinVar variation 518650 (VCV000518650.7), dbSNP rs765749707, ClinGen allele CA1991851.

ClinVar aggregate classification (germline): Conflicting classifications of pathogenicity. Review status: criteria provided, conflicting classifications (1 of 4 stars). 3 submissions from 3 submitters: Uncertain significance (2); Likely benign (1). Last evaluated 2026-05-30.

Conditions:
Cardiovascular phenotype. Identifiers: MedGen CN230736.
TTN-related disorder. Also called: TTN-related condition; TTN-related disease; TTN-related disorders.

Allele frequency attached by ClinVar (database versions not stated): gnomAD exomes 0.00001 and 0.00002; ExAC 0.00003; gnomAD 0.00003; TOPMed 0.00004.
gnomAD v4.1: 16 of 1,613,194 alleles (0.00099%); highest among the groups gnomAD compares: African/African-American, 0.0067%; no homozygotes.

Submissions (3):

PreventionGenetics, part of Exact Sciences
Classification: Uncertain significance for TTN-related condition. Last evaluated: 2026-05-30. Review status: criteria provided, single submitter. Criteria: ACMG Guidelines, 2015. Collection method: clinical testing. Allele origin: germline.
Comment: The TTN c.64715T>C variant is predicted to result in the amino acid substitution p.Ile21572Thr. To our knowledge, this variant has not been reported in the literature. This variant is reported in 0.012% of alleles in individuals of African descent in gnomAD. At this time, the clinical significance of this variant is uncertain due to the absence of conclusive functional and genetic evidence.

Molecular Diagnostic Laboratory for Inherited Cardiovascular Disease, Montreal Heart Institute
Classification: Likely benign. Last evaluated: 2026-03-27. Review status: criteria provided, single submitter. Criteria: ACMG Guidelines, 2015. Collection method: clinical testing. Allele origin: germline. Affected: no.

Ambry Genetics
Classification: Uncertain significance for Cardiovascular phenotype. Last evaluated: 2017-06-16. Review status: criteria provided, single submitter. Criteria: Ambry Variant Classification Scheme 2023. Collection method: clinical testing. Allele origin: germline.
Comment: The p.I12507T variant (also known as c.37520T>C), located in coding exon 137 of the TTN gene, results from a T to C substitution at nucleotide position 37520. The isoleucine at codon 12507 is replaced by threonine, an amino acid with similar properties. This amino acid position is not well conserved in available vertebrate species. In addition, this alteration is predicted to be tolerated by in silico analysis. Since supporting evidence is limited at this time, the clinical significance of this alteration remains unclear.